The following is an entry in ClinVar:

ClinVar aggregate classification (germline): Conflicting classifications of pathogenicity; other. Review status: criteria provided, conflicting classifications (1 of 4 stars). 13 submissions from 13 submitters: Uncertain significance (4); Benign (3); Likely benign (3). 2 of the submissions do not count toward it. Last evaluated 2026-04-30.

Conditions:
GALE-related disorder. Also called: GALE-related condition.
UDPglucose-4-epimerase deficiency. Also called: GALACTOSEMIA III; GALE DEFICIENCY; Epimerase Deficiency Galactosemia; UDPglucose 4-Epimerase Deficiency Disease; UDP-GALACTOSE-4-EPIMERASE DEFICIENCY; Galactose epimerase deficiency. Identifiers: Orphanet 352, Orphanet 79238, MedGen C0751161, MONDO:0009257, OMIM 230350.

Allele frequency attached by ClinVar (database versions not stated): 1000 Genomes Project 30x 0.00906; gnomAD exomes 0.00141 and 0.00071; gnomAD 0.00568 and 0.00596; ExAC 0.00188; 1000 Genomes Project 0.00819; TOPMed 0.00594.

Submissions (13):

PreventionGenetics, part of Exact Sciences
Classification: Uncertain significance for GALE-related condition. Last evaluated: 2026-04-30. Review status: criteria provided, single submitter. Criteria: ACMG Guidelines, 2015. Collection method: clinical testing. Allele origin: germline.
Comment: The GALE c.770A>G variant is predicted to result in the amino acid substitution p.Lys257Arg. This variant has been reported in several peripheral epimerase deficiency galactosemia patients (Maceratesi et al. 1998. PubMed ID: 9538513; Openo et al. 2006. PubMed ID: 16385452). However, none of these patients had a second clearly pathogenic GALE variant, and the reported results of in vitro and in vivo studies of the c.770A>G variant are conflicting (Timson 2005. PubMed ID: 16302980; Wasilenko et al. 2005. PubMed ID: 15639193). The c.770A>G variant has been documented with a minor allele frequency of ~2% in an African population (gnomAD), which is high for a pathogenic variant. Although we suspect that this variant is probably benign, its clinical significance is currently uncertain due to the absence of conclusive functional and genetic evidence.

CeGaT Center for Human Genetics Tuebingen
Classification: Benign. Last evaluated: 2025-04-01. Review status: criteria provided, single submitter. Criteria: CeGaT Center For Human Genetics Tuebingen Variant Classification Criteria Version 2. Collection method: clinical testing. Allele origin: germline. Affected: yes. Observed: 3 variant alleles.
Comment: GALE: BS1, BS2

Mayo Clinic Laboratories, Mayo Clinic
Classification: Uncertain significance. Last evaluated: 2025-02-27. Review status: criteria provided, single submitter. Criteria: ACMG Guidelines, 2015. Collection method: clinical testing. Allele origin: germline. Observed: 2 variant alleles.
Comment: BS1

Genomic Medicine Center of Excellence, King Faisal Specialist Hospital and Research Centre
Classification: Uncertain significance for UDPglucose-4-epimerase deficiency. Last evaluated: 2024-12-18. Review status: criteria provided, single submitter. Criteria: ACMG Guidelines, 2015. Collection method: clinical testing. Allele origin: germline.

Laboratory for Molecular Medicine, Mass General Brigham Personalized Medicine
Classification: Likely benign. Last evaluated: 2024-02-21. Review status: criteria provided, single submitter. Criteria: ACMG Guidelines, 2015. Collection method: clinical testing. Allele origin: germline.
Comment: The p.Lys257Arg variant in GALE is classified as likely benign because it has been identified in 1.9% (1474/75008) of African chromosomes, including 24 total homozygotes by gnomAD. ACMG/AMP Criteria applied: BS1.

Greenwood Genetic Center Diagnostic Laboratories, Greenwood Genetic Center
Classification: Uncertain significance. Last evaluated: 2022-10-19. Review status: criteria provided, single submitter. Criteria: ACMG Guidelines, 2015. Collection method: clinical testing. Allele origin: germline. Affected: yes.
Comment: PS3_Supporting, BA1

Women's Health and Genetics/Laboratory Corporation of America, LabCorp
Classification: Benign. Last evaluated: 2022-03-07. Review status: criteria provided, single submitter. Criteria: LabCorp Variant Classification Summary - May 2015. Collection method: clinical testing. Allele origin: germline.
Comment: Variant summary: GALE c.770A>G (p.Lys257Arg) results in a conservative amino acid change in the encoded protein sequence. Two of three in-silico tools predict a damaging effect of the variant on protein function. The variant allele was found at a frequency of 0.0014 in 248990 control chromosomes, predominantly at a frequency of 0.019 within the African or African-American subpopulation in the gnomAD database, including 5 homozygotes. The observed variant frequency within African or African-American control individuals in the gnomAD database is approximately 17 fold of the estimated maximal expected allele frequency for a pathogenic variant in GALE causing UDPglucose-4-Epimerase Deficiency phenotype (0.0011), strongly suggesting that the variant is a benign polymorphism found primarily in populations of African or African-American origin. Four clinical diagnostic laboratories have submitted clinical-significance assessments for this variant to ClinVar after 2014 without evidence for independent evaluation and a majority consensus as benign/likely benign. Based on the evidence outlined above, the variant was classified as benign.

Labcorp Genetics (formerly Invitae), Labcorp
Classification: Benign for UDPglucose-4-epimerase deficiency. Last evaluated: 2019-12-22. Review status: criteria provided, single submitter. Criteria: Invitae Variant Classification Sherloc (09022015). Collection method: clinical testing. Allele origin: germline.

Mendelics
Classification: Likely benign for UDPglucose-4-epimerase deficiency. Last evaluated: 2019-05-28. Review status: criteria provided, single submitter. Criteria: Mendelics Assertion Criteria 2017. Collection method: clinical testing. Allele origin: unknown.

GeneDx
Classification: Likely benign. Last evaluated: 2018-02-01. Review status: criteria provided, single submitter. Criteria: GeneDx Variant Classification (06012015). Collection method: clinical testing. Allele origin: germline. Affected: yes.
Comment: This variant is considered likely benign or benign based on one or more of the following criteria: it is a conservative change, it occurs at a poorly conserved position in the protein, it is predicted to be benign by multiple in silico algorithms, and/or has population frequency not consistent with disease.

Eurofins Ntd Llc (ga)
Classification: other. Last evaluated: 2017-07-14. Review status: criteria provided, single submitter. Criteria: EGL Classification Definitions 2015. Collection method: clinical testing. Allele origin: germline. Observed: 34 variant alleles, 19 heterozygotes, 15 homozygotes.

GeneReviews
Classification: Pathogenic for UDPglucose-4-epimerase deficiency. Last evaluated: 2021-02-24. Review status: no assertion criteria provided. Collection method: literature only. Allele origin: germline. Not counted in ClinVar's aggregate classification.
Comment: Assoc with asymptomatic peripheral epimerase deficiency galactosemia in African Americans

OMIM
Classification: Pathogenic for GALACTOSEMIA III. Last evaluated: 1998-01-01. Review status: no assertion criteria provided. Collection method: literature only. Allele origin: germline. Not counted in ClinVar's aggregate classification.

Literature cited by the submitters: PubMed 11001796 (cited by Mayo Clinic Laboratories, Mayo Clinic); PubMed 11903335 (cited by Mayo Clinic Laboratories, Mayo Clinic); PubMed 15639193 (cited by Mayo Clinic Laboratories, Mayo Clinic); PubMed 16301867 (cited by Mayo Clinic Laboratories, Mayo Clinic); PubMed 16302980 (cited by Mayo Clinic Laboratories, Mayo Clinic); PubMed 16385452 (cited by Mayo Clinic Laboratories, Mayo Clinic and GeneReviews); PubMed 16611573 (cited by Mayo Clinic Laboratories, Mayo Clinic); PubMed 23644136 (cited by Mayo Clinic Laboratories, Mayo Clinic); PubMed 33510604 (cited by Mayo Clinic Laboratories, Mayo Clinic); PubMed 33555556 (cited by Mayo Clinic Laboratories, Mayo Clinic); PubMed 9538513 (cited by Mayo Clinic Laboratories, Mayo Clinic and OMIM); PubMed 9973283 (cited by Mayo Clinic Laboratories, Mayo Clinic); J Invest Med. 1997 (cited by GeneReviews); 45:191A (cited by GeneReviews).

NM_001008216.2(GALE):c.770A>G (p.Lys257Arg)

Gene: GALE (UDP-galactose-4-epimerase; minus strand). Cytogenetic location: 1p36.11.
Variant type: single nucleotide variant.
Coding change: c.770A>G on transcript NM_001008216.2 (MANE Select); coding-DNA position 770, A replaced by G.
Protein change: p.Lys257Arg; replaces lysine 257 with arginine.
Molecular consequence: missense variant.
Genome position (GRCh38, 1-based): chr1:23,796,722, T>C on the plus strand (A>G on the coding strand, the complement: GALE is on the minus strand). VCF-style: chr1-23796722-T-C. GRCh37 (hg19) VCF-style: chr1-24123212-T-C.
Other names: c.770A>G, p.Lys257Arg (NM_001127621.2, NM_000403.4); short protein forms K257R.
Identifiers: ClinVar variation 3679 (VCV000003679.44), dbSNP rs28940884, ClinGen allele CA340116.